The following is an entry in ClinVar:

NM_000534.5(PMS1):c.2755C>T (p.Arg919Cys)

Gene: PMS1 (PMS1 homolog 1, mismatch repair system component; plus strand). Cytogenetic location: 2q32.2.
Variant type: single nucleotide variant.
Coding change: c.2755C>T on transcript NM_000534.5 (MANE Select); coding-DNA position 2755, C replaced by T.
Protein change: p.Arg919Cys; replaces arginine 919 with cysteine.
Molecular consequence: missense variant. On other transcripts: non-coding transcript variant (1).
Genome position (GRCh38, 1-based): chr2:189,877,392, C>T. VCF-style: chr2-189877392-C-T. GRCh37 (hg19) VCF-style: chr2-190742118-C-T.
Other names: c.2638C>T, p.Arg880Cys (NM_001128143.2); c.2269C>T, p.Arg757Cys (NM_001128144.2); c.2227C>T, p.Arg743Cys (NM_001289408.2, NM_001289409.2); c.2152C>T, p.Arg718Cys (NM_001321044.2); c.2755C>T, p.Arg919Cys (NM_001321045.2, NM_001321047.2, NM_001321048.2); c.2572C>T, p.Arg858Cys (NM_001321046.2); short protein forms R718C, R743C, R757C, R858C, R880C, R919C.
Identifiers: ClinVar variation 3040736 (VCV003040736.3), dbSNP rs145103030, ClinGen allele CA2026976.

ClinVar aggregate classification (germline): Uncertain significance. Review status: criteria provided, single submitter (1 of 4 stars). 2 submissions from 2 submitters: Uncertain significance (1). 1 of the submissions does not count toward it. Last evaluated 2021-03-10.

Conditions:
PMS1-related disorder. Also called: PMS1-related condition.
Lynch syndrome. Identifiers: Orphanet 144, MedGen C4552100, MONDO:0005835. Disease mechanism: loss of function.

Allele frequency attached by ClinVar (database versions not stated): TOPMed 0.00009; gnomAD 0.00020; ExAC 0.00023; 1000 Genomes Project 30x 0.00109; 1000 Genomes Project 0.00140.
gnomAD v4.1: 141 of 1,612,828 alleles (0.0087%); highest among the groups gnomAD compares: East Asian, 0.22%; 1 homozygote.

Submissions (2):

Department of Pathology and Laboratory Medicine, Sinai Health System
Classification: Uncertain significance for Lynch syndrome. Last evaluated: 2021-03-10. Review status: criteria provided, single submitter. Criteria: ACMG Guidelines, 2015. Collection method: research. Allele origin: germline.

PreventionGenetics, part of Exact Sciences
Classification: Likely benign for PMS1-related condition. Last evaluated: 2020-12-24. Review status: no assertion criteria provided. Collection method: clinical testing. Allele origin: germline. Not counted in ClinVar's aggregate classification.
Comment: This variant is classified as likely benign based on ACMG/AMP sequence variant interpretation guidelines (Richards et al. 2015 PMID: 25741868, with internal and published modifications).